The following is an entry in ClinVar:

ClinVar aggregate classification (germline): Uncertain significance (1 of 4 stars; one submission).

Conditions:
Primary ciliary dyskinesia. Also called: Ciliary dyskinesia. Identifiers: Orphanet 244, MedGen C0008780, MONDO:0016575, HP:0012265.

gnomAD v4.1: 2 of 1,613,802 alleles (0.00012%); highest among the groups gnomAD compares: Non-Finnish European, 0.00017%; no homozygotes.

Submission:

Labcorp Genetics (formerly Invitae), Labcorp
Classification: Uncertain significance for Primary ciliary dyskinesia. Last evaluated: 2021-01-04. Review status: criteria provided, single submitter. Criteria: Invitae Variant Classification Sherloc (09022015). Collection method: clinical testing. Allele origin: germline.
Comment: In summary, the available evidence is currently insufficient to determine the role of this variant in disease. Therefore, it has been classified as a Variant of Uncertain Significance. Algorithms developed to predict the effect of sequence changes on RNA splicing suggest that this variant may create or strengthen a splice site, but this prediction has not been confirmed by published transcriptional studies. Advanced modeling of protein sequence and biophysical properties (such as structural, functional, and spatial information, amino acid conservation, physicochemical variation, residue mobility, and thermodynamic stability) performed at Invitae indicates that this missense variant is not expected to disrupt DNAH5 protein function. This variant has not been reported in the literature in individuals with DNAH5-related conditions. This variant is not present in population databases (ExAC no frequency). This sequence change replaces leucine with valine at codon 1243 of the DNAH5 protein (p.Leu1243Val). The leucine residue is highly conserved and there is a small physicochemical difference between leucine and valine.

NM_001369.3(DNAH5):c.3727C>G (p.Leu1243Val)

Genes: DNAH5 (dynein axonemal heavy chain 5; minus strand), DNAH5-AS1 (DNAH5 antisense RNA 1; plus strand). Cytogenetic location: 5p15.2.
Variant type: single nucleotide variant.
Coding change: c.3727C>G on transcript NM_001369.3 (MANE Select); coding-DNA position 3727, C replaced by G.
Protein change: p.Leu1243Val; replaces leucine 1243 with valine.
Molecular consequence: missense variant.
Genome position (GRCh38, 1-based): chr5:13,870,874, G>C on the plus strand (C>G on the coding strand, the complement: DNAH5 is on the minus strand). VCF-style: chr5-13870874-G-C. GRCh37 (hg19) VCF-style: chr5-13870983-G-C.
Other names: short protein forms L1243V.
Identifiers: ClinVar variation 1516240 (VCV001516240.8), dbSNP rs2151918770, ClinGen allele CA359231847.